The following is an entry in ClinVar:

NM_006096.4(NDRG1):c.99+234G>A

Gene: NDRG1 (N-myc downstream regulated 1; minus strand). Cytogenetic location: 8q24.22.
Variant type: single nucleotide variant.
Coding change: c.99+234G>A on transcript NM_006096.4 (MANE Select); 234 bases into the intron after coding-DNA position 99, G replaced by A.
Molecular consequence: intron variant.
Genome position (GRCh38, 1-based): chr8:133,279,998, C>T on the plus strand (G>A on the coding strand, the complement: NDRG1 is on the minus strand). VCF-style: chr8-133279998-C-T. GRCh37 (hg19) VCF-style: chr8-134292241-C-T.
Other names: c.-99-15346G>A (NM_001258432.2); c.-100+234G>A (NM_001374847.1); c.-39+234G>A (NM_001258433.2); c.99+234G>A (NM_001374844.1, NM_001135242.2, NM_001374845.1 and 1 more transcripts).
Identifiers: ClinVar variation 667652 (VCV000667652.1), dbSNP rs6980901, ClinGen allele CA12848581.
Genomic context (GRCh38, chr8:133,279,998, plus strand): 5'-CACACCATTTTCCCCACACACGCCCCACCGTTCTGGCCAGCTCTTTGGGACTGAAACAGG[C>T]GGTGTCTCTGTCCTGCTTTCGTGGGAAGTGACTGGTTCCTGATTCTTTGGCCAGCACTCA-3'

ClinVar aggregate classification (germline): Benign (1 of 4 stars; one submission).

Allele frequency attached by ClinVar (database versions not stated): 1000 Genomes Project 0.21126; 1000 Genomes Project 30x 0.22127; gnomAD 0.28167 and 0.29337; TOPMed 0.29655.
gnomAD v4.1: 42,863 of 152,068 alleles (28%); highest among the groups gnomAD compares: African/African-American, 41%; 6,915 homozygotes.

Submission:

GeneDx
Classification: Benign. Last evaluated: 2018-06-19. Review status: criteria provided, single submitter. Criteria: GeneDx Variant Classification (06012015). Collection method: clinical testing. Allele origin: germline. Affected: yes.
Comment: This variant is considered likely benign or benign based on one or more of the following criteria: it is a conservative change, it occurs at a poorly conserved position in the protein, it is predicted to be benign by multiple in silico algorithms, and/or has population frequency not consistent with disease.